The following is an entry in ClinVar:

NM_001961.4(EEF2):c.1018A>G (p.Met340Val)

Gene: EEF2 (eukaryotic translation elongation factor 2; minus strand). Cytogenetic location: 19p13.3.
Variant type: single nucleotide variant.
Coding change: c.1018A>G on transcript NM_001961.4 (MANE Select); coding-DNA position 1018, A replaced by G.
Protein change: p.Met340Val; replaces methionine 340 with valine.
Molecular consequence: missense variant.
Genome position (GRCh38, 1-based): chr19:3,980,973, T>C on the plus strand (A>G on the coding strand, the complement: EEF2 is on the minus strand). VCF-style: chr19-3980973-T-C. GRCh37 (hg19) VCF-style: chr19-3980971-T-C.
Other names: short protein forms M340V.
Identifiers: ClinVar variation 1710663 (VCV001710663.2), dbSNP rs2512203158, ClinGen allele CA403393577.

ClinVar aggregate classification (germline): Uncertain significance (1 of 4 stars; one submission).

Submission:

GeneDx
Classification: Uncertain significance. Last evaluated: 2022-04-13. Review status: criteria provided, single submitter. Criteria: GeneDx Variant Classification Process June 2021. Collection method: clinical testing. Allele origin: germline. Affected: yes.
Comment: Not observed at significant frequency in large population cohorts (gnomAD); In silico analysis supports that this missense variant has a deleterious effect on protein structure/function; Has not been previously published as pathogenic or benign to our knowledge